The following is an entry in ClinVar:

ClinVar aggregate classification (germline): Uncertain significance. Review status: criteria provided, multiple submitters, no conflicts (2 of 4 stars). 2 submissions from 2 submitters: Uncertain significance (2). Last evaluated 2025-12-07.

Conditions:
Hereditary nonpolyposis colorectal neoplasms. Identifiers: MedGen C0009405, MeSH D003123.
Hereditary cancer-predisposing syndrome. Also called: Hereditary Cancer Syndrome; Hereditary neoplastic syndrome; Neoplastic Syndromes, Hereditary; Tumor predisposition. Identifiers: Orphanet 140162, MedGen C0027672, MeSH D009386, MONDO:0015356.

Allele frequency attached by ClinVar (database versions not stated): gnomAD exomes below 0.00001.
gnomAD v4.1: 3 of 1,592,948 alleles (0.00019%); highest among the groups gnomAD compares: Non-Finnish European, 0.00026%; no homozygotes.

Submissions (2):

Ambry Genetics
Classification: Uncertain significance for Hereditary cancer-predisposing syndrome. Last evaluated: 2025-12-07. Review status: criteria provided, single submitter. Criteria: Ambry Variant Classification Scheme 2023. Collection method: clinical testing. Allele origin: germline.
Comment: The p.L691P variant (also known as c.2072T>C), located in coding exon 12 of the PMS2 gene, results from a T to C substitution at nucleotide position 2072. The leucine at codon 691 is replaced by proline, an amino acid with similar properties. This amino acid position is conserved. In addition, this alteration is predicted to be deleterious by in silico analysis. Based on the available evidence, the clinical significance of this variant remains unclear.

Labcorp Genetics (formerly Invitae), Labcorp
Classification: Uncertain significance for Hereditary nonpolyposis colorectal neoplasms. Last evaluated: 2020-05-29. Review status: criteria provided, single submitter. Criteria: Invitae Variant Classification Sherloc (09022015). Collection method: clinical testing. Allele origin: germline.
Comment: In summary, the available evidence is currently insufficient to determine the role of this variant in disease. Therefore, it has been classified as a Variant of Uncertain Significance. The frequency data for this variant in the population databases (ExAC) is considered unreliable due to the presence of homologous sequence, such as pseudogenes or paralogs, in the genome. This variant has not been reported in the literature in individuals with PMS2-related conditions. Algorithms developed to predict the effect of missense changes on protein structure and function are either unavailable or do not agree on the potential impact of this missense change (SIFT: "Deleterious"; PolyPhen-2: "Probably Damaging"; Align-GVGD: "Class C0"). This sequence change replaces leucine with proline at codon 691 of the PMS2 protein (p.Leu691Pro). The leucine residue is moderately conserved and there is a moderate physicochemical difference between leucine and proline.

NM_000535.7(PMS2):c.2072T>C (p.Leu691Pro)

Gene: PMS2 (PMS1 homolog 2, mismatch repair system component; minus strand). Cytogenetic location: 7p22.1.
Variant type: single nucleotide variant.
Coding change: c.2072T>C on transcript NM_000535.7 (MANE Select); coding-DNA position 2072, T replaced by C.
Protein change: p.Leu691Pro; replaces leucine 691 with proline.
Molecular consequence: missense variant. On other transcripts: non-coding transcript variant (1).
Genome position (GRCh38, 1-based): chr7:5,982,926, A>G on the plus strand (T>C on the coding strand, the complement: PMS2 is on the minus strand). VCF-style: chr7-5982926-A-G. GRCh37 (hg19) VCF-style: chr7-6022557-A-G.
Other names: c.1667T>C, p.Leu556Pro (NM_001322003.2, NM_001322004.2, NM_001322005.2 and 1 more transcripts); c.1916T>C, p.Leu639Pro (NM_001322006.2); c.1754T>C, p.Leu585Pro (NM_001322007.2, NM_001322008.2); c.1511T>C, p.Leu504Pro (NM_001322010.2); c.1139T>C, p.Leu380Pro (NM_001322011.2, NM_001322012.2); c.1499T>C, p.Leu500Pro (NM_001322013.2); c.2072T>C, p.Leu691Pro (NM_001322014.2); c.1763T>C, p.Leu588Pro (NM_001322015.2); and 1 more; short protein forms L380P, L500P, L504P, L556P, L585P, L588P, L639P, L691P.
Identifiers: ClinVar variation 1062572 (VCV001062572.10), dbSNP rs1230422041, ClinGen allele CA366738060.